The following is an entry in ClinVar:

ClinVar aggregate classification (germline): Uncertain significance. Review status: criteria provided, multiple submitters, no conflicts (2 of 4 stars). 2 submissions from 2 submitters: Uncertain significance (2). Last evaluated 2022-02-10.

Conditions:
Bainbridge-Ropers syndrome. Also called: Severe feeding difficulties-failure to thrive-microcephaly due to ASXL3 deficiency syndrome. Identifiers: Orphanet 352577, MedGen C4750837, MONDO:0014205, OMIM 615485.

Allele frequency attached by ClinVar (database versions not stated): gnomAD exomes below 0.00001.
gnomAD v4.1: 6 of 1,605,088 alleles (0.00037%); highest among the groups gnomAD compares: Non-Finnish European, 0.00051%; no homozygotes.

Submissions (2):

MGZ Medical Genetics Center
Classification: Uncertain significance for Bainbridge-Ropers syndrome. Last evaluated: 2022-02-10. Review status: criteria provided, single submitter. Criteria: ACMG Guidelines, 2015. Collection method: clinical testing. Allele origin: germline. Affected: yes. Observed: 1 variant allele.
Comment: ACMG criteria applied: PM2_SUP, BP4

Revvity Omics, Revvity
Classification: Uncertain significance for Bainbridge-Ropers syndrome. Last evaluated: 2020-12-19. Review status: criteria provided, single submitter. Criteria: ACMG Guidelines, 2015. Collection method: clinical testing. Allele origin: germline.

NM_030632.3(ASXL3):c.1059C>A (p.Phe353Leu)

Gene: ASXL3 (ASXL transcriptional regulator 3; plus strand). Cytogenetic location: 18q12.1.
Variant type: single nucleotide variant.
Coding change: c.1059C>A on transcript NM_030632.3 (MANE Select); coding-DNA position 1059, C replaced by A.
Protein change: p.Phe353Leu; replaces phenylalanine 353 with leucine.
Molecular consequence: missense variant.
Genome position (GRCh38, 1-based): chr18:33,734,392, C>A. VCF-style: chr18-33734392-C-A. GRCh37 (hg19) VCF-style: chr18-31314356-C-A.
Other names: c.1059C>A (NM_030632.1); short protein forms F353L.
Identifiers: ClinVar variation 1710071 (VCV001710071.5), dbSNP rs2510910522, ClinGen allele CA402172612.